The following is an entry in ClinVar:

ClinVar aggregate classification (germline): Uncertain significance. Review status: criteria provided, multiple submitters, no conflicts (2 of 4 stars). 2 submissions from 2 submitters: Uncertain significance (2). Last evaluated 2025-08-28.

Conditions:
Developmental delay with variable intellectual impairment and behavioral abnormalities. Identifiers: MedGen C5193092, MONDO:0032745, OMIM 618430.

Allele frequency attached by ClinVar (database versions not stated): gnomAD exomes below 0.00001; TOPMed below 0.00001; gnomAD 0.00001.
gnomAD v4.1: 3 of 1,613,828 alleles (0.00019%); highest among the groups gnomAD compares: African/African-American, 0.0013%; no homozygotes.

Submissions (2):

Laboratorio de Genetica e Diagnostico Molecular, Hospital Israelita Albert Einstein
Classification: Uncertain significance for Developmental delay with variable intellectual impairment and behavioral abnormalities. Last evaluated: 2025-08-28. Review status: criteria provided, single submitter. Criteria: ACMG Guidelines, 2015. Collection method: clinical testing. Allele origin: germline. Affected: yes.
Comment: ACMG classification criteria: PM2 supporting, BP4 supporting

Labcorp Genetics (formerly Invitae), Labcorp
Classification: Uncertain significance. Last evaluated: 2024-01-10. Review status: criteria provided, single submitter. Criteria: Invitae Variant Classification Sherloc (09022015). Collection method: clinical testing. Allele origin: germline.
Comment: This sequence change replaces arginine, which is basic and polar, with glutamine, which is neutral and polar, at codon 535 of the TCF20 protein (p.Arg535Gln). This variant is not present in population databases (gnomAD no frequency). This variant has not been reported in the literature in individuals affected with TCF20-related conditions. An algorithm developed to predict the effect of missense changes on protein structure and function (PolyPhen-2) suggests that this variant is likely to be disruptive. In summary, the available evidence is currently insufficient to determine the role of this variant in disease. Therefore, it has been classified as a Variant of Uncertain Significance.

NM_001378418.1(TCF20):c.1604G>A (p.Arg535Gln)

Gene: TCF20 (transcription factor 20; minus strand). Cytogenetic location: 22q13.2.
Variant type: single nucleotide variant.
Coding change: c.1604G>A on transcript NM_001378418.1 (MANE Select); coding-DNA position 1604, G replaced by A.
Protein change: p.Arg535Gln; replaces arginine 535 with glutamine.
Molecular consequence: missense variant.
Genome position (GRCh38, 1-based): chr22:42,213,702, C>T on the plus strand (G>A on the coding strand, the complement: TCF20 is on the minus strand). VCF-style: chr22-42213702-C-T. GRCh37 (hg19) VCF-style: chr22-42609708-C-T.
Other names: c.1604G>A, p.Arg535Gln (NM_005650.4, NM_181492.3); short protein forms R535Q.
Identifiers: ClinVar variation 2806341 (VCV002806341.4), dbSNP rs1921312127, ClinGen allele CA411790454.